The following is an entry in ClinVar:

NM_000204.5(CFI):c.445G>T (p.Glu149Ter)

Gene: CFI (complement factor I; minus strand). Cytogenetic location: 4q25.
Variant type: single nucleotide variant.
Coding change: c.445G>T on transcript NM_000204.5 (MANE Select); coding-DNA position 445, G replaced by T.
Protein change: p.Glu149Ter; replaces glutamic acid 149 with a stop codon.
Molecular consequence: nonsense. On other transcripts: non-coding transcript variant (3), intron variant (1).
Genome position (GRCh38, 1-based): chr4:109,764,574, C>A on the plus strand (G>T on the coding strand, the complement: CFI is on the minus strand). VCF-style: chr4-109764574-C-A. GRCh37 (hg19) VCF-style: chr4-110685730-C-A.
Other names: c.445G>T, p.Glu149Ter (NM_001318057.2, NM_001331035.2, NM_001375278.1 and 5 more transcripts); c.-127-2882G>T (NM_001375284.1); short protein forms E149*.
Identifiers: ClinVar variation 2881087 (VCV002881087.3), dbSNP rs1400738748, ClinGen allele CA357863818.

ClinVar aggregate classification (germline): Pathogenic (1 of 4 stars; one submission).

Allele frequency attached by ClinVar (database versions not stated): gnomAD exomes below 0.00001; gnomAD 0.00001.
gnomAD v4.1: 3 of 1,614,028 alleles (0.00019%); highest among the groups gnomAD compares: South Asian, 0.0033%; no homozygotes.

Submission:

Labcorp Genetics (formerly Invitae), Labcorp
Classification: Pathogenic. Last evaluated: 2024-11-11. Review status: criteria provided, single submitter. Criteria: Invitae Variant Classification Sherloc (09022015). Collection method: clinical testing. Allele origin: germline.
Comment: This sequence change creates a premature translational stop signal (p.Glu149*) in the CFI gene. It is expected to result in an absent or disrupted protein product. Loss-of-function variants in CFI are known to be pathogenic (PMID: 15917334, 16621965, 19065647, 20016463, 22710145). This variant is present in population databases (no rsID available, gnomAD 0.003%). This variant has not been reported in the literature in individuals affected with CFI-related conditions. ClinVar contains an entry for this variant (Variation ID: 2881087). Algorithms developed to predict the effect of sequence changes on RNA splicing suggest that this variant may disrupt the consensus splice site. For these reasons, this variant has been classified as Pathogenic.

Literature cited by the submitters: PubMed 15917334; PubMed 16621965; PubMed 19065647; PubMed 20016463; PubMed 22710145.